The following is an entry in ClinVar:

NM_000059.4(BRCA2):c.426-351T>C

Gene: BRCA2 (BRCA2 DNA repair associated; plus strand). Cytogenetic location: 13q13.1.
Variant type: single nucleotide variant.
Coding change: c.426-351T>C on transcript NM_000059.4 (MANE Select); 351 bases into the intron before coding-DNA position 426, T replaced by C.
Molecular consequence: intron variant.
Genome position (GRCh38, 1-based): chr13:32,325,750, T>C. VCF-style: chr13-32325750-T-C. GRCh37 (hg19) VCF-style: chr13-32899887-T-C.
Other names: IVS 4-351T>C.
Identifiers: ClinVar variation 209648 (VCV000209648.1), dbSNP rs11571619, ClinGen allele CA276617.

ClinVar aggregate classification (germline): Benign (3 of 4 stars; one submission).

Conditions:
Breast-ovarian cancer, familial, susceptibility to, 2 (BROVCA2). Also called: BRCA2 Hereditary Breast and Ovarian Cancer. Identifiers: Orphanet 145, MedGen C2675520, MONDO:0012933, OMIM 612555. Disease mechanism: loss of function.

Allele frequency attached by ClinVar (database versions not stated): 1000 Genomes Project 0.00719; gnomAD 0.00756 and 0.00816; TOPMed 0.00835; 1000 Genomes Project 30x 0.00843.
gnomAD v4.1: 1,140 of 151,866 alleles (0.75%); highest among the groups gnomAD compares: African/African-American, 2.5%; 16 homozygotes.

Submission:

Evidence-based Network for the Interpretation of Germline Mutant Alleles (ENIGMA)
Classification: Benign for Breast-ovarian cancer, familial 2. Last evaluated: 2015-01-12. Review status: reviewed by expert panel. Criteria: ENIGMA BRCA1/2 Classification Criteria (2015). Collection method: curation. Allele origin: germline.
Comment: Class 1 not pathogenic based on frequency >1% in an outbred sampleset. Frequency 0.02642 (African), derived from 1000 genomes (2012-04-30).